The following is an entry in ClinVar:

ClinVar aggregate classification (germline): Uncertain significance (1 of 4 stars; one submission).

Submission:

CeGaT Center for Human Genetics Tuebingen
Classification: Uncertain significance. Last evaluated: 2026-09-01. Review status: criteria provided, single submitter. Criteria: CeGaT Center For Human Genetics Tuebingen Variant Classification Criteria Version 2. Collection method: clinical testing. Allele origin: germline. Affected: yes. Observed: 1 variant allele.
Comment: TNXB: PM2, PP3

NM_001365276.2(TNXB):c.12556T>C (p.Tyr4186His)

Genes: TNXB (tenascin XB; minus strand), LOC106780803 (tenascin XB recombination region; plus strand). Cytogenetic location: 6p21.33.
Variant type: single nucleotide variant.
Coding change: c.12556T>C on transcript NM_001365276.2 (MANE Select); coding-DNA position 12556, T replaced by C.
Protein change: p.Tyr4186His; replaces tyrosine 4186 with histidine.
Molecular consequence: missense variant.
Genome position (GRCh38, 1-based): chr6:32,041,848, A>G on the plus strand (T>C on the coding strand, the complement: TNXB is on the minus strand). VCF-style: chr6-32041848-A-G. GRCh37 (hg19) VCF-style: chr6-32009625-A-G.
Other names: c.13297T>C, p.Tyr4433His (NM_001428335.1); c.12550T>C, p.Tyr4184His (NM_019105.8); c.1843T>C, p.Tyr615His (NM_032470.4); short protein forms Y4184H, Y4186H, Y4433H, Y615H.
Identifiers: ClinVar variation 5041330 (VCV005041330.1).
Genomic context (GRCh38, chr6:32,041,848, plus strand): 5'-TCCCGTAGAGCCCGTTGAGGTTGGCGTAGTGGCAGTTCCTGTACCACCAGGCCCCTCGGT[A>G]GGAGACAGCGCAGGAGATGAGCAAGCTGTTGGGGTCCCGATCACGGGCAGAGAAGACACT-3'
Protein context (NP_001352205.1, residues 4176-4196): NSLLISCAVS[Tyr4186His]RGAWWYRNCH